The following is an entry in ClinVar:

NM_203446.3(SYNJ1):c.35A>G (p.Lys12Arg)

Gene: SYNJ1 (synaptojanin 1; minus strand). Cytogenetic location: 21q22.11.
Variant type: single nucleotide variant.
Coding change: c.35A>G on transcript NM_203446.3 (MANE Select); coding-DNA position 35, A replaced by G.
Protein change: p.Lys12Arg; replaces lysine 12 with arginine.
Molecular consequence: missense variant.
Genome position (GRCh38, 1-based): chr21:32,726,861, T>C on the plus strand (A>G on the coding strand, the complement: SYNJ1 is on the minus strand). VCF-style: chr21-32726861-T-C. GRCh37 (hg19) VCF-style: chr21-34099172-T-C.
Other names: c.35A>G, p.Lys12Arg (NM_001160302.2, NM_001160306.2); c.152A>G, p.Lys51Arg (NM_003895.4); short protein forms K12R, K51R.
Identifiers: ClinVar variation 959287 (VCV000959287.10), dbSNP rs2043479501, ClinGen allele CA410078302.
Genomic context (GRCh38, chr21:32,726,861, plus strand): 5'-ATGAGACATTCTTCCTTATGCCTAGTTTCCACTATGAGGCTGAAAGGTGGGGGATCCAAT[T>C]TGTGATAGATCCGGAATCCTTTACTGAACGCCATTCTCCTTTCTTCGGAGGCAGCCCTGC-3'
Protein context (NP_982271.3, residues 2-22): AFSKGFRIYH[Lys12Arg]LDPPPFSLIV

ClinVar aggregate classification (germline): Uncertain significance (1 of 4 stars; one submission).

Conditions:
Early-onset Parkinson disease 20. Also called: PARKINSON DISEASE 20, AUTOSOMAL RECESSIVE EARLY-ONSET. Identifiers: Orphanet 391411, MedGen C3809824, MONDO:0014233, OMIM 615530.
Developmental and epileptic encephalopathy, 53. Also called: Epileptic encephalopathy, early infantile, 53. Identifiers: MedGen C4479313, MONDO:0033362, OMIM 617389.

Allele frequency attached by ClinVar (database versions not stated): gnomAD exomes 0.00001.

Submission:

Labcorp Genetics (formerly Invitae), Labcorp
Classification: Uncertain significance for Developmental and epileptic encephalopathy, 53; Early-onset Parkinson disease 20. Last evaluated: 2022-09-06. Review status: criteria provided, single submitter. Criteria: Invitae Variant Classification Sherloc (09022015). Collection method: clinical testing. Allele origin: germline.
Comment: Algorithms developed to predict the effect of sequence changes on RNA splicing suggest that this variant may create or strengthen a splice site. In summary, the available evidence is currently insufficient to determine the role of this variant in disease. Therefore, it has been classified as a Variant of Uncertain Significance. Algorithms developed to predict the effect of missense changes on protein structure and function are either unavailable or do not agree on the potential impact of this missense change (SIFT: "Tolerated"; PolyPhen-2: "Probably Damaging"; Align-GVGD: "Class C0"). ClinVar contains an entry for this variant (Variation ID: 959287). This variant has not been reported in the literature in individuals affected with SYNJ1-related conditions. This variant is not present in population databases (gnomAD no frequency). This sequence change replaces lysine, which is basic and polar, with arginine, which is basic and polar, at codon 51 of the SYNJ1 protein (p.Lys51Arg).